The following is an entry in ClinVar:

NM_019066.5(MAGEL2):c.1274C>G (p.Pro425Arg)

Gene: MAGEL2 (MAGE family member L2; minus strand). Cytogenetic location: 15q11.2.
Variant type: single nucleotide variant.
Coding change: c.1274C>G on transcript NM_019066.5 (MANE Select); coding-DNA position 1274, C replaced by G.
Protein change: p.Pro425Arg; replaces proline 425 with arginine.
Molecular consequence: missense variant.
Genome position (GRCh38, 1-based): chr15:23,646,469, G>C on the plus strand (C>G on the coding strand, the complement: MAGEL2 is on the minus strand). VCF-style: chr15-23646469-G-C. GRCh37 (hg19) VCF-style: chr15-23891616-G-C.
Other names: short protein forms P425R.
Identifiers: ClinVar variation 3352274 (VCV003352274.1).

ClinVar aggregate classification (germline): Uncertain significance (0 of 4 stars; one submission).

Conditions:
MAGEL2-related disorder. Also called: MAGEL2-related condition.

Submission:

PreventionGenetics, part of Exact Sciences
Classification: Uncertain significance for MAGEL2-related condition. Last evaluated: 2024-03-15. Review status: no assertion criteria provided. Collection method: clinical testing. Allele origin: germline.
Comment: The MAGEL2 c.1274C>G variant is predicted to result in the amino acid substitution p.Pro425Arg. To our knowledge, this variant has not been reported in the literature or in a large population database, indicating this variant is rare. At this time, the clinical significance of this variant is uncertain due to the absence of conclusive functional and genetic evidence.